The following is an entry in ClinVar:

NM_006978.3(RNF113A):c.364C>T (p.Leu122=)

Gene: RNF113A (ring finger protein 113A; minus strand). Cytogenetic location: Xq24.
Variant type: single nucleotide variant.
Coding change: c.364C>T on transcript NM_006978.3 (MANE Select); coding-DNA position 364, C replaced by T.
Protein change: p.Leu122=; no amino-acid change (leucine 122 retained).
Molecular consequence: synonymous variant.
Genome position (GRCh38, 1-based): chrX:119,871,250, G>A on the plus strand (C>T on the coding strand, the complement: RNF113A is on the minus strand). VCF-style: chrX-119871250-G-A. GRCh37 (hg19) VCF-style: chrX-119005213-G-A.
Identifiers: ClinVar variation 4770764 (VCV004770764.1).

ClinVar aggregate classification (germline): Uncertain significance (1 of 4 stars; one submission).

Submission:

Labcorp Genetics (formerly Invitae), Labcorp
Classification: Uncertain significance. Last evaluated: 2025-08-16. Review status: criteria provided, single submitter. Criteria: Invitae Variant Classification Sherloc (09022015). Collection method: clinical testing. Allele origin: germline.
Comment: This sequence change affects codon 122 of the RNF113A mRNA. It is a 'silent' change, meaning that it does not change the encoded amino acid sequence of the RNF113A protein. This variant is present in population databases (rs754141747, gnomAD 0.001%). This variant has not been reported in the literature in individuals affected with RNF113A-related conditions. In summary, the available evidence is currently insufficient to determine the role of this variant in disease. Therefore, it has been classified as a Variant of Uncertain Significance.